The following is an entry in ClinVar:

ClinVar aggregate classification (germline): Uncertain significance (1 of 4 stars; one submission).

Allele frequency attached by ClinVar (database versions not stated): gnomAD exomes below 0.00001.
gnomAD v4.1: 4 of 1,613,962 alleles (0.00025%); highest among the groups gnomAD compares: Non-Finnish European, 0.00034%; no homozygotes.

Submission:

Labcorp Genetics (formerly Invitae), Labcorp
Classification: Uncertain significance. Last evaluated: 2020-07-21. Review status: criteria provided, single submitter. Criteria: Invitae Variant Classification Sherloc (09022015). Collection method: clinical testing. Allele origin: germline.
Comment: This sequence change replaces glutamic acid with aspartic acid at codon 1089 of the SLC24A1 protein (p.Glu1089Asp). The glutamic acid residue is highly conserved and there is a small physicochemical difference between glutamic acid and aspartic acid. This variant is not present in population databases (ExAC no frequency). This variant has not been reported in the literature in individuals with SLC24A1-related conditions. Algorithms developed to predict the effect of missense changes on protein structure and function (SIFT, PolyPhen-2, Align-GVGD) all suggest that this variant is likely to be disruptive, but these predictions have not been confirmed by published functional studies and their clinical significance is uncertain. In summary, the available evidence is currently insufficient to determine the role of this variant in disease. Therefore, it has been classified as a Variant of Uncertain Significance.

NM_004727.3(SLC24A1):c.3267A>C (p.Glu1089Asp)

Gene: SLC24A1 (solute carrier family 24 member 1; plus strand). Cytogenetic location: 15q22.31.
Variant type: single nucleotide variant.
Coding change: c.3267A>C on transcript NM_004727.3 (MANE Select); coding-DNA position 3267, A replaced by C.
Protein change: p.Glu1089Asp; replaces glutamic acid 1089 with aspartic acid.
Molecular consequence: missense variant. On other transcripts: intron variant (1).
Genome position (GRCh38, 1-based): chr15:65,654,046, A>C. VCF-style: chr15-65654046-A-C. GRCh37 (hg19) VCF-style: chr15-65946384-A-C.
Other names: c.1248A>C, p.Glu416Asp (NM_001254740.2); c.3177A>C, p.Glu1059Asp (NM_001301031.1); c.3213A>C, p.Glu1071Asp (NM_001301032.1); c.2996+1238A>C (NM_001301033.2); short protein forms E1059D, E1071D, E1089D, E416D.
Identifiers: ClinVar variation 1057043 (VCV001057043.9), dbSNP rs2141738786, ClinGen allele CA392904127.